The following is an entry in ClinVar:

NM_001034853.2(RPGR):c.3071_3080del (p.Glu1024fs)

Gene: RPGR (retinitis pigmentosa GTPase regulator; minus strand). Cytogenetic location: Xp11.4.
Variant type: Deletion.
Coding change: c.3071_3080del on transcript NM_001034853.2 (MANE Select); coding-DNA positions 3071 to 3080, 10 bases deleted (AGGTGGAAGG; older notation c.3071_3080delAGGTGGAAGG).
Protein change: p.Glu1024fs; shifts the reading frame from glutamic acid 1024.
Molecular consequence: frameshift variant. On other transcripts: intron variant (8).
Genome position (GRCh38, 1-based): chrX:38,285,919-38,285,928, CCTTCCACCT deleted on the plus strand (AGGTGGAAGG on the coding strand, the reverse complement: RPGR is on the minus strand); deleting any 10 consecutive bases within chrX:38,285,919-38,285,930 gives the same sequence; the c. name uses the placement nearest the transcript's 3' end. VCF-style (leftmost placement, unchanged base first): chrX-38285918-CCCTTCCACCT-C. GRCh37 (hg19) VCF-style: chrX-38145171-CCCTTCCACCT-C.
Other names: NM_001034853.2:c.3071_3080del; c.1569+5031_1569+5040del (NM_001367249.1, NM_001367250.1); c.1902+1166_1902+1175del (NM_001367245.1); c.1386+5031_1386+5040del (NM_001367251.1); c.1719+1166_1719+1175del (NM_001367246.1); c.1572+5031_1572+5040del (NM_001367247.1); c.1905+1166_1905+1175del (NM_000328.3); c.1602+5031_1602+5040del (NM_001367248.1); short protein forms E1024fs.
Identifiers: ClinVar variation 4976910 (VCV004976910.1).

ClinVar aggregate classification (germline): Pathogenic (3 of 4 stars; one submission).

Conditions:
RPGR-related retinopathy. Also called: RPGR retinopathy. Identifiers: MedGen CN305589, MONDO:0100437.

Submission:

ClinGen X-linked Inherited Retinal Disease Variant Curation Expert Panel, ClinGen
Classification: Pathogenic for RPGR-related retinopathy. Last evaluated: 2026-09-26. Review status: reviewed by expert panel. Criteria: ClinGen X LinkedIRD ACMG Specifications RPGR V1.0.0. Collection method: curation. Allele origin: germline. Inheritance: X-linked inheritance.
Comment: NM_001034853.2(RPGR):c.3071_3080del (p.Glu1024GlyfsTer?) is a frameshift variant caused by 10 nucleotide deletion that introduces a premature stop codon in exon 15 of 15 and is predicted to disrupt a critical C-terminal region required for the proper function of RPGR (PVS1, PMID: 36445968). This variant is absent from hemizygous individuals in gnomAD v4.1.1 (PM2_Supporting). At least one proband harboring this variant exhibits a phenotype including abnormal color vision (0.5), cone-rod dystrophy (1), pigmentary retinopathy (0.5), macular atrophy (1), no alternative explanation from a 230 gene panel (2) , which together are specific for RPGR-related retinopathy (5 points, PMID: 41686256, 35806195, PP4). In summary, this variant is classified as pathogenic for RPGR-related retinopathy based on the ClinGen X-linked Inherited Retinal Disease Expert Panel Specifications to the ACMG/AMP Variant Interpretation Guidelines for RPGR Version 1.0.0: PSV1, PP4, and PM2_supporting.